The following is an entry in ClinVar:

ClinVar aggregate classification (germline): Uncertain significance (1 of 4 stars; one submission).

Conditions:
Charcot-Marie-Tooth disease dominant intermediate F. Identifiers: Orphanet 352670, MedGen C4749463, MONDO:0014074, OMIM 615185.

Allele frequency attached by ClinVar (database versions not stated): gnomAD exomes below 0.00001.
gnomAD v4.1: 2 of 1,614,164 alleles (0.00012%); highest among the groups gnomAD compares: Non-Finnish European, 0.00017%; no homozygotes.

Submission:

Labcorp Genetics (formerly Invitae), Labcorp
Classification: Uncertain significance for Charcot-Marie-Tooth disease dominant intermediate F. Last evaluated: 2021-11-12. Review status: criteria provided, single submitter. Criteria: Invitae Variant Classification Sherloc (09022015). Collection method: clinical testing. Allele origin: germline.
Comment: This variant has not been reported in the literature in individuals affected with GNB4-related conditions. This variant is not present in population databases (gnomAD no frequency). This sequence change replaces aspartic acid, which is acidic and polar, with glycine, which is neutral and non-polar, at codon 267 of the GNB4 protein (p.Asp267Gly). Algorithms developed to predict the effect of missense changes on protein structure and function are either unavailable or do not agree on the potential impact of this missense change (SIFT: "Tolerated"; PolyPhen-2: "Possibly Damaging"; Align-GVGD: "Class C0"). In summary, the available evidence is currently insufficient to determine the role of this variant in disease. Therefore, it has been classified as a Variant of Uncertain Significance.

NM_021629.4(GNB4):c.800A>G (p.Asp267Gly)

Gene: GNB4 (G protein subunit beta 4; minus strand). Cytogenetic location: 3q26.33.
Variant type: single nucleotide variant.
Coding change: c.800A>G on transcript NM_021629.4 (MANE Select); coding-DNA position 800, A replaced by G.
Protein change: p.Asp267Gly; replaces aspartic acid 267 with glycine.
Molecular consequence: missense variant.
Genome position (GRCh38, 1-based): chr3:179,405,306, T>C on the plus strand (A>G on the coding strand, the complement: GNB4 is on the minus strand). VCF-style: chr3-179405306-T-C. GRCh37 (hg19) VCF-style: chr3-179123094-T-C.
Other names: c.800A>G (NM_021629.3); short protein forms D267G.
Identifiers: ClinVar variation 1462127 (VCV001462127.7), dbSNP rs2108579874, ClinGen allele CA355469001.